The following is an entry in ClinVar:

NM_000136.3(FANCC):c.934A>G (p.Ile312Val)

Genes: AOPEP (aminopeptidase O (putative); plus strand), FANCC (FA complementation group C; minus strand). Cytogenetic location: 9q22.32.
Variant type: single nucleotide variant.
Coding change: c.934A>G on transcript NM_000136.3 (MANE Select); coding-DNA position 934, A replaced by G.
Protein change: p.Ile312Val; replaces isoleucine 312 with valine.
Molecular consequence: missense variant.
Genome position (GRCh38, 1-based): chr9:95,125,148, T>C on the plus strand (A>G on the coding strand, the complement: FANCC is on the minus strand). VCF-style: chr9-95125148-T-C. GRCh37 (hg19) VCF-style: chr9-97887430-T-C.
Other names: p.I312V:ATA>GTA; c.934A>G, p.Ile312Val (NM_001243743.2, NM_001243744.2); short protein forms I312V.
Identifiers: ClinVar variation 127548 (VCV000127548.43), dbSNP rs1800366, ClinGen allele CA287233.

ClinVar aggregate classification (germline): Conflicting classifications of pathogenicity. Review status: criteria provided, conflicting classifications (1 of 4 stars). 16 submissions from 16 submitters: Uncertain significance (6); Benign (1); Likely benign (6). 3 of the submissions do not count toward it. Last evaluated 2026-02-04.

Conditions:
FANCC-related disorder. Also called: FANCC-related condition.
Hereditary cancer. Identifiers: MedGen C1333600.
Hereditary cancer-predisposing syndrome. Also called: Neoplastic Syndromes, Hereditary; Tumor predisposition; Hereditary Cancer Syndrome; Hereditary neoplastic syndrome. Identifiers: Orphanet 140162, MedGen C0027672, MeSH D009386, MONDO:0015356.
Fanconi anemia (FA). Also called: Fanconi's anemia. Identifiers: Orphanet 84, MedGen C0015625, MeSH D005199, MONDO:0019391.
Fanconi anemia complementation group C (FANCC). Also called: FANCC-Related Fanconi Anemia; Fanconi anemia, group C; FANCONI PANCYTOPENIA, TYPE 3; FACC. Identifiers: Orphanet 84, MedGen C3468041, MONDO:0009213, OMIM 227645.

Allele frequency attached by ClinVar (database versions not stated): gnomAD 0.00028 and 0.00051; ESP Exome Variant Server 0.00038; 1000 Genomes Project 0.00040; ExAC 0.00040; gnomAD exomes 0.00049 and 0.00072; TOPMed 0.00056; 1000 Genomes Project 30x 0.00062.
gnomAD v4.1: 1,112 of 1,614,224 alleles (0.069%); highest among the groups gnomAD compares: Non-Finnish European, 0.076%; 1 homozygote.

Submissions (16):

Labcorp Genetics (formerly Invitae), Labcorp
Classification: Likely benign for Fanconi anemia. Last evaluated: 2026-02-04. Review status: criteria provided, single submitter. Criteria: Invitae Variant Classification Sherloc (09022015). Collection method: clinical testing. Allele origin: germline.

PreventionGenetics, part of Exact Sciences
Classification: Likely benign for FANCC-related condition. Last evaluated: 2025-08-07. Review status: criteria provided, single submitter. Criteria: ACMG Guidelines, 2015. Collection method: clinical testing. Allele origin: germline.
Comment: This variant is classified as likely benign based on ACMG/AMP sequence variant interpretation guidelines (Richards et al. 2015 PMID: 25741868, with internal and published modifications).

Women's Health and Genetics/Laboratory Corporation of America, LabCorp
Classification: Benign. Last evaluated: 2025-06-27. Review status: criteria provided, single submitter. Criteria: LabCorp Variant Classification Summary - May 2015. Collection method: clinical testing. Allele origin: germline.
Comment: Variant summary: FANCC c.934A>G (p.Ile312Val) results in a conservative amino acid change in the encoded protein sequence. Algorithms developed to predict the effect of missense changes on protein structure and function all suggest that this variant is likely to be tolerated. The variant allele was found at a frequency of 0.00049 in 251494 control chromosomes (gnomAD v2.1). This frequency is not higher than the maximum estimated for a pathogenic variant in FANCC causing Fanconi Anemia Group C (0.0018). However, the variant was reported in some subpopulations with even higher allele frequencies, e.g. in the Amish with an allele frequency of 0.035, including 1 homozygote (gnomAD v4.1). In recent large studies evaluating breast cancer cases and controls the variant was reported with similar or lower frequencies in cases than in controls (Li_2021, and Dorling_2021, reported through LOVD). These results suggest that this variant is not associated with breast cancer risk. To our knowledge, no experimental evidence demonstrating an impact on protein function has been reported. The following publications have been ascertained in the context of this evaluation (PMID: 12670332, 33471991, 8844212, 34117267). ClinVar contains an entry for this variant (Variation ID: 127548). Based on the evidence outlined above, the variant was classified as benign.

Quest Diagnostics Nichols Institute San Juan Capistrano
Classification: Likely benign. Last evaluated: 2025-04-25. Review status: criteria provided, single submitter. Criteria: Quest Diagnostics criteria. Collection method: clinical testing. Allele origin: unknown.

Mendelics
Classification: Likely benign for Hereditary cancer. Last evaluated: 2024-09-11. Review status: criteria provided, single submitter. Criteria: ACMG Guidelines, 2015. Collection method: clinical testing. Allele origin: unknown.
Comment: This variant is considered likely benign or benign based on one or more of the following: it is predicted to be benign by multiple in silico algorithms, and/or has population frequency not consistent with disease, and/or has normal protein function, and/or has lack of segregation with disease, and/or has been detected in co-occurrence with known pathogenic variant, and/or has lack of disease association in case-control studies, and/or is located in a region inconsistent with a known cause of pathogenicity.

St. Jude Molecular Pathology, St. Jude Children's Research Hospital
Classification: Uncertain significance for Fanconi anemia complementation group C. Last evaluated: 2024-08-15. Review status: criteria provided, single submitter. Criteria: St. Jude Assertion Criteria 2020. Collection method: clinical testing. Allele origin: germline.
Comment: The FANCC c.934A>G (p.Ile312Val) missense change has a maximum founder subpopulation frequency of 0.14% and a maximum non-founder subpopulation frequency of 0.05% in gnomAD v2.1.1. The in silico tool REVEL predicts a benign effect on protein function, but this prediction has not been confirmed by functional studies. This variant has been reported in the heterozygous state an individual with Fanconi anemia and was called a polymorphism (PMID: 8844212). In summary, the evidence currently available is insufficient to determine the clinical significance of this variant. It has therefore been classified as of uncertain significance.

Institute for Clinical Genetics, University Hospital TU Dresden, University Hospital TU Dresden
Classification: Uncertain significance. Last evaluated: 2021-11-03. Review status: criteria provided, single submitter. Criteria: ACMG Guidelines, 2015. Collection method: clinical testing. Allele origin: germline.

Sema4
Classification: Uncertain significance for Fanconi anemia. Last evaluated: 2021-10-25. Review status: criteria provided, single submitter. Criteria: Sema4 Curation Guidelines. Collection method: curation. Allele origin: germline.
Comment: The FANCC c.934A>G (p.I312V) variant has been reported in individuals with pancreatic cancer, Fanconi anemia, acute myeloid leukemia, breast cancer, and ovarian cancer (PMID: 8844212, 12670332, 28767289, 32659497, 31784482, 32885271, 32546565). However, it was also observed in controls (PMID: 34117267, 32546565, 33471991). It is also known as c.1189A>G (p.I312V) in the literature. This variant was observed in 34/25124 chromosomes in the Finnish population, with 0 homozygotes, in the large and broad cohorts of the Genome Aggregation Database. The variant has been reported in ClinVar (Variation ID 127548). In silico tools suggest the impact of the variant on protein function is benign, though these predictions have not been confirmed by functional studies. The evidence is insufficient to meet ACMG/AMP criteria for classifying the variant as benign or pathogenic. Thus, the clinical significance of this variant is currently uncertain.

Genetic Services Laboratory, University of Chicago
Classification: Uncertain significance. Last evaluated: 2021-09-21. Review status: criteria provided, single submitter. Criteria: ACMG Guidelines, 2015. Collection method: clinical testing. Allele origin: germline. Affected: no.
Comment: This sequence change does not appear to have been previously described in patients with FANCC-related disorders and has been described in the gnomAD database with a population frequency of 0.049% in the non-Finnish subpopulation (dbSNP rs1800366). The p.Ile312Val change affects a poorly conserved amino acid residue located in a domain of the FANCC protein that is known to be functional. In-silico pathogenicity prediction tools (SIFT, PolyPhen2, Align GVGD, REVEL) provide contradictory results for the p.Ile312Val substitution. Due to these contrasting evidences and the lack of functional studies, the clinical significance of the p.Ile312Val change remains unknown at this time.

GeneDx
Classification: Likely benign. Last evaluated: 2021-06-21. Review status: criteria provided, single submitter. Criteria: GeneDx Variant Classification Process June 2021. Collection method: clinical testing. Allele origin: germline. Affected: yes.
Comment: This variant is associated with the following publications: (PMID: 26238431, 12670332, 8844212, 26689913, 28767289)

Pars Genome Lab
Classification: Uncertain significance for Fanconi anemia complementation group C. Last evaluated: 2021-05-18. Review status: criteria provided, single submitter. Criteria: ACMG Guidelines, 2015. Collection method: clinical testing. Allele origin: germline. Affected: no.

Ambry Genetics
Classification: Likely benign for Hereditary cancer-predisposing syndrome. Last evaluated: 2021-03-19. Review status: criteria provided, single submitter. Criteria: Ambry Variant Classification Scheme 2023. Collection method: clinical testing. Allele origin: germline.

Illumina Laboratory Services, Illumina
Classification: Uncertain significance for Fanconi anemia complementation group C. Last evaluated: 2018-01-13. Review status: criteria provided, single submitter. Criteria: ICSL Variant Classification Criteria 13 December 2019. Collection method: clinical testing. Allele origin: germline.

Leiden Open Variation Database
Classification: Uncertain significance. Last evaluated: 2020-02-28. Review status: no assertion criteria provided. Collection method: curation. Allele origin: germline. Affected: yes. Not counted in ClinVar's aggregate classification.
Comment: Curator: Arleen D. Auerbach. Submitter to LOVD: Arleen D. Auerbach.

Natera, Inc.
Classification: Uncertain significance for Fanconi anemia, group C. Last evaluated: 2017-11-15. Review status: no assertion criteria provided. Collection method: clinical testing. Allele origin: germline. Not counted in ClinVar's aggregate classification.

Department of Pathology and Laboratory Medicine, Sinai Health System
Classification: Uncertain significance. Review status: no assertion criteria provided. Collection method: clinical testing. Allele origin: unknown. Affected: yes. Study: The Canadian Open Genetics Repository (COGR). Not counted in ClinVar's aggregate classification.
Comment: The FANCC p.Ile312Val variant was identified in 1 of 376 proband chromosomes (frequency: 0.003) from individuals with childhood leukemia and was present in 1 of 208 control chromosomes (frequency: 0.005) from healthy individuals (Barber 2003). The variant was also identified in the following databases: dbSNP (ID: rs1800366) as "With Uncertain significance allele", ClinVar (2x uncertain significance, 1x likely benign), Clinvitae (1x uncertain significance, 1x likely benign), and LOVD 3.0 (1x). The variant was not identified in Cosmic or the MutDB, databases. c.934A>G was identified in control databases in 129 of 277246 chromosomes at a frequency of 0.0005 increasing the likelihood this could be a low frequency benign variant (Genome Aggregation Database Feb 27, 2017). Breakdown of the observations by population include African in 6 of 24038 chromosomes (freq: 0.0003), Other in 3 of 6468 chromosomes (freq: 0.0005), Latino in 16 of 34420 chromosomes (freq: 0.0005), European in 57 of 126728 chromosomes (freq: 0.0005), Finnish in 34 of 25790 chromosomes (freq: 0.001), and South Asian in 13 of 30782 chromosomes (freq: 0.0004). The variant was not observed in the Ashkenazi Jewish or East Asian populations. The p.Ile312 residue is not conserved in mammals and computational analyses (PolyPhen-2, SIFT, AlignGVGD, BLOSUM, MutationTaster) do not suggest a high likelihood of impact to the protein; however, this information is not predictive enough to rule out pathogenicity. The variant occurs outside of the splicing consensus sequence and in silico or computational prediction software programs (SpliceSiteFinder, MaxEntScan, NNSPLICE, GeneSplicer, HumanSpliceFinder) do not predict a difference in splicing. In summary, based on the above information the clinical significance of this variant cannot be determined with certainty at this time. This variant is classified as a variant of uncertain significance.

Literature cited by the submitters: PubMed 8844212 (cited by 4 submitters); PubMed 12670332 (cited by 4 submitters); PubMed 33471991 (cited by 3 submitters); PubMed 34117267 (cited by 3 submitters); PubMed 34326862 (cited by Quest Diagnostics Nichols Institute San Juan Capistrano); PubMed 29641532 (cited by Quest Diagnostics Nichols Institute San Juan Capistrano); PubMed 28767289 (cited by Quest Diagnostics Nichols Institute San Juan Capistrano and Sema4); PubMed 32659497 (cited by Quest Diagnostics Nichols Institute San Juan Capistrano and Sema4); PubMed 31784482 (cited by Quest Diagnostics Nichols Institute San Juan Capistrano and Sema4); PubMed 32546565 (cited by Quest Diagnostics Nichols Institute San Juan Capistrano and Sema4); PubMed 32885271 (cited by Quest Diagnostics Nichols Institute San Juan Capistrano and Sema4); PubMed 08844212 (cited by Leiden Open Variation Database).